The following is an entry in ClinVar:

ClinVar aggregate classification (germline): Uncertain significance (1 of 4 stars; one submission).

Conditions:
Combined immunodeficiency due to LRBA deficiency. Also called: Common variable immunodeficiency 8, with autoimmunity. Identifiers: Orphanet 445018, MedGen C3553512, MONDO:0013863, OMIM 614700.

Submission:

Labcorp Genetics (formerly Invitae), Labcorp
Classification: Uncertain significance for Combined immunodeficiency due to LRBA deficiency. Last evaluated: 2022-04-12. Review status: criteria provided, single submitter. Criteria: Invitae Variant Classification Sherloc (09022015). Collection method: clinical testing. Allele origin: germline.
Comment: This variant is not present in population databases (gnomAD no frequency). This variant has not been reported in the literature in individuals affected with LRBA-related conditions. Algorithms developed to predict the effect of missense changes on protein structure and function are either unavailable or do not agree on the potential impact of this missense change (SIFT: "Tolerated"; PolyPhen-2: "Probably Damaging"; Align-GVGD: "Class C0"). In summary, the available evidence is currently insufficient to determine the role of this variant in disease. Therefore, it has been classified as a Variant of Uncertain Significance. This sequence change replaces phenylalanine, which is neutral and non-polar, with leucine, which is neutral and non-polar, at codon 894 of the LRBA protein (p.Phe894Leu).

NM_001364905.1(LRBA):c.2682C>A (p.Phe894Leu)

Gene: LRBA (LPS responsive beige-like anchor protein; minus strand). Cytogenetic location: 4q31.3.
Variant type: single nucleotide variant.
Coding change: c.2682C>A on transcript NM_001364905.1 (MANE Select); coding-DNA position 2682, C replaced by A.
Protein change: p.Phe894Leu; replaces phenylalanine 894 with leucine.
Molecular consequence: missense variant.
Genome position (GRCh38, 1-based): chr4:150,867,755, G>T on the plus strand (C>A on the coding strand, the complement: LRBA is on the minus strand). VCF-style: chr4-150867755-G-T. GRCh37 (hg19) VCF-style: chr4-151788907-G-T.
Other names: c.2682C>A, p.Phe894Leu (NM_001199282.3, NM_001367550.1, NM_006726.5); short protein forms F894L.
Identifiers: ClinVar variation 2125263 (VCV002125263.4), dbSNP rs2546545264, ClinGen allele CA358464355.